The following is an entry in ClinVar:

ClinVar aggregate classification (germline): Pathogenic (1 of 4 stars; one submission).

Conditions:
Congenital myasthenic syndrome 8. Also called: MYASTHENIC SYNDROME, CONGENITAL, DUE TO AGRIN DEFICIENCY; Myasthenic syndrome, congenital, 8, with pre- and postsynaptic defects. Identifiers: Orphanet 590, MedGen C3808739, MONDO:0014052, OMIM 615120.

Submission:

Labcorp Genetics (formerly Invitae), Labcorp
Classification: Pathogenic for Congenital myasthenic syndrome 8. Last evaluated: 2023-06-22. Review status: criteria provided, single submitter. Criteria: Invitae Variant Classification Sherloc (09022015). Collection method: clinical testing. Allele origin: germline.
Comment: This sequence change creates a premature translational stop signal (p.Ala1077Profs*161) in the AGRN gene. It is expected to result in an absent or disrupted protein product. Loss-of-function variants in AGRN are known to be pathogenic (PMID: 24951643). This variant is present in population databases (rs762176416, gnomAD 0.001%). This variant has not been reported in the literature in individuals affected with AGRN-related conditions. Algorithms developed to predict the effect of sequence changes on RNA splicing suggest that this variant may disrupt the consensus splice site. For these reasons, this variant has been classified as Pathogenic.

Literature cited by the submitters: PubMed 24951643.

NM_198576.4(AGRN):c.3229del (p.Ala1077fs)

Gene: AGRN (agrin; plus strand). Cytogenetic location: 1p36.33.
Variant type: Deletion.
Coding change: c.3229del on transcript NM_198576.4 (MANE Select); coding-DNA position 3229, one base deleted (G; older notation c.3229delG).
Protein change: p.Ala1077fs; shifts the reading frame from alanine 1077.
Molecular consequence: frameshift variant.
Genome position (GRCh38, 1-based): chr1:1,046,714, G deleted; the last of 2 consecutive G bases (chr1:1,046,713-1,046,714); deleting either gives the same sequence. VCF-style (leftmost placement, unchanged base first): chr1-1046712-AG-A. GRCh37 (hg19) VCF-style: chr1-982092-AG-A.
Other names: c.2914del, p.Ala972fs (NM_001364727.2); c.3229del, p.Ala1077fs (NM_001305275.2); short protein forms A1077fs, A972fs.
Identifiers: ClinVar variation 2912340 (VCV002912340.3), dbSNP rs762176416, ClinGen allele CA508982.